The following is an entry in ClinVar:

ClinVar aggregate classification (germline): Uncertain significance. Review status: criteria provided, multiple submitters, no conflicts (2 of 4 stars). 6 submissions from 6 submitters: Uncertain significance (6). Last evaluated 2025-09-19.

Conditions:
Marfan syndrome (MFS). Also called: FBN1-Related Marfan Syndrome; MARFAN SYNDROME, TYPE I; Marfan syndrome, classic; Marfan syndrome type 1; Marfan's syndrome. Identifiers: Orphanet 284963, Orphanet 558, MedGen C0024796, MONDO:0007947, OMIM 154700.
Familial thoracic aortic aneurysm and aortic dissection (TAAD). Also called: Thoracic aortic aneurysms and dissections. Identifiers: Orphanet 91387, MedGen C4707243, MONDO:0019625.

Allele frequency attached by ClinVar (database versions not stated): gnomAD 0.00001; gnomAD exomes 0.00001; ExAC 0.00002.
gnomAD v4.1: 16 of 1,613,700 alleles (0.00099%); highest among the groups gnomAD compares: Non-Finnish European, 0.0014%; no homozygotes.

Submissions (6):

3billion
Classification: Uncertain significance for Marfan syndrome. Last evaluated: 2025-09-19. Review status: criteria provided, single submitter. Criteria: ACMG Guidelines, 2015. Collection method: clinical testing. Allele origin: germline. Affected: yes.
Comment: The variant is observed at an extremely low frequency in the gnomAD v4.1.0 dataset (total allele frequency: <0.001%). Predicted Consequence/Location: Missense variant In silico tool predictions suggest damaging effect of the variant on gene or gene product [REVEL: 0.81 (>=0.6, sensitivity 0.68 and specificity 0.92); 3Cnet: 0.83 (> 0.75, sensitivity 0.96 and precision 0.92)]. A different missense change at the same codon (p.Arg609Cys) has been reported to be associated with FBN1-related disorder (ClinVar ID: VCV000439709). However the evidence of pathogenicity is insufficient at this time. Therefore, this variant is classified as VUS according to the recommendation of ACMG/AMP guideline.

Color Diagnostics, LLC DBA Color Health
Classification: Uncertain significance for Familial thoracic aortic aneurysm and aortic dissection. Last evaluated: 2025-05-12. Review status: criteria provided, single submitter. Criteria: ACMG Guidelines, 2015. Collection method: clinical testing. Allele origin: germline.
Comment: This missense variant replaces arginine with histidine at codon 609 of the FBN1 protein. Computational prediction suggests that this variant may have a deleterious impact on protein structure and function. To our knowledge, functional studies have not been reported for this variant. This variant has not been reported in individuals affected with FBN1-related disorders in the literature. This variant has been identified in 4/282738 chromosomes in the general population by the Genome Aggregation Database (gnomAD). The available evidence is insufficient to determine the role of this variant in disease conclusively. Therefore, this variant is classified as a Variant of Uncertain Significance.

All of Us Research Program, National Institutes of Health
Classification: Uncertain significance for Marfan syndrome. Last evaluated: 2024-03-05. Review status: criteria provided, single submitter. Criteria: ACMG Guidelines, 2015. Collection method: clinical testing. Allele origin: germline. Inheritance: Autosomal dominant inheritance. Observed: 2 variant alleles, 2 heterozygotes.
Comment: This missense variant replaces arginine with histidine at codon 609 of the FBN1 protein. Computational prediction suggests that this variant may have deleterious impact on protein structure and function (internally defined REVEL score threshold >= 0.7, PMID: 27666373). To our knowledge, functional studies have not been reported for this variant. This variant has not been reported in individuals affected with cardiovascular disorders in the literature. This variant has been identified in 4/282738 chromosomes in the general population by the Genome Aggregation Database (gnomAD). The available evidence is insufficient to determine the role of this variant in disease conclusively. Therefore, this variant is classified as a Variant of Uncertain Significance.

This study involves interpretation of variants in research participants for the purpose of population health screening. Participant phenotype was not available at the time of variant classification. Additional details can be found in publication PMID: 35346344, PMCID: PMC8962531

CeGaT Center for Human Genetics Tuebingen
Classification: Uncertain significance. Last evaluated: 2024-03-01. Review status: criteria provided, single submitter. Criteria: CeGaT Center For Human Genetics Tuebingen Variant Classification Criteria Version 2. Collection method: clinical testing. Allele origin: germline. Affected: yes. Observed: 1 variant allele.
Comment: FBN1: PM2:Supporting

Labcorp Genetics (formerly Invitae), Labcorp
Classification: Uncertain significance for Marfan syndrome; Familial thoracic aortic aneurysm and aortic dissection. Last evaluated: 2022-06-23. Review status: criteria provided, single submitter. Criteria: Invitae Variant Classification Sherloc (09022015). Collection method: clinical testing. Allele origin: germline.
Comment: This variant has not been reported in the literature in individuals affected with FBN1-related conditions. ClinVar contains an entry for this variant (Variation ID: 419187). Advanced modeling of protein sequence and biophysical properties (such as structural, functional, and spatial information, amino acid conservation, physicochemical variation, residue mobility, and thermodynamic stability) performed at Invitae indicates that this missense variant is expected to disrupt FBN1 protein function. In summary, the available evidence is currently insufficient to determine the role of this variant in disease. Therefore, it has been classified as a Variant of Uncertain Significance. This sequence change replaces arginine, which is basic and polar, with histidine, which is basic and polar, at codon 609 of the FBN1 protein (p.Arg609His). This variant is present in population databases (rs770393471, gnomAD 0.003%).

GeneDx
Classification: Uncertain significance. Last evaluated: 2017-02-28. Review status: criteria provided, single submitter. Criteria: GeneDx Variant Classification (06012015). Collection method: clinical testing. Allele origin: germline. Affected: yes.
Comment: The R609H variant of uncertain significance in the FBN1 gene has not been published as pathogenic or been reported as benign to our knowledge. This variant is not observed at a significant frequency in large population cohorts (Lek et al., 2016; 1000 Genomes Consortium et al., 2015; Exome Variant Server). This substitution occurs at a position that is conserved across species, and in silico analysis predicts this variant is probably damaging to the protein structure/function. However, the R609H variant is a conservative amino acid substitution, which is not likely to impact secondary protein structure as these residues share similar properties. Furthermore, although the R609H variant occurs within a calcium-binding EGF-like domain of the FBN1 gene, it does not affect a Cysteine residue. Cysteine substitutions in the calcium-binding EGF-like domains represent the majority of pathogenic missense changes associated with Marfan syndrome (Collod-Beroud et al., 2003).

NM_000138.5(FBN1):c.1826G>A (p.Arg609His)

Gene: FBN1 (fibrillin 1; minus strand). Cytogenetic location: 15q21.1.
Variant type: single nucleotide variant.
Coding change: c.1826G>A on transcript NM_000138.5 (MANE Select); coding-DNA position 1826, G replaced by A.
Protein change: p.Arg609His; replaces arginine 609 with histidine.
Molecular consequence: missense variant.
Genome position (GRCh38, 1-based): chr15:48,508,593, C>T on the plus strand (G>A on the coding strand, the complement: FBN1 is on the minus strand). VCF-style: chr15-48508593-C-T. GRCh37 (hg19) VCF-style: chr15-48800790-C-T.
Other names: short protein forms R609H.
Identifiers: ClinVar variation 419187 (VCV000419187.36), dbSNP rs770393471, ClinGen allele CA045982.
Genomic context (GRCh38, chr15:48,508,593, plus strand): 5'-AGGAGAAAAGGCACGTGAAGAACATGATCTAGGGTTTTATAGCACGAACCTTTGCAATAA[C>T]GTCCATCTGATGCCAGCTGGAATCCAGGTTTGCAAATACATTTAAAACTGCCATCTTCAT-3'
Protein context (NP_000129.3, residues 599-619): KPGFQLASDG[Arg609His]YCKDINECET